The following is an entry in ClinVar:

NM_000548.5(TSC2):c.37_39del (p.Glu13del)

Gene: TSC2 (TSC complex subunit 2; plus strand). Cytogenetic location: 16p13.3.
Variant type: Deletion.
Coding change: c.37_39del on transcript NM_000548.5 (MANE Select); coding-DNA positions 37 to 39, 3 bases deleted (GAG; older notation c.37_39delGAG).
Protein change: p.Glu13del; deletes glutamic acid 13.
Molecular consequence: inframe deletion. On other transcripts: 5 prime UTR variant (1), intron variant (1).
Genome position (GRCh38, 1-based): chr16:2,048,652-2,048,654, GAG deleted; deleting any 3 consecutive bases within chr16:2,048,650-2,048,654 gives the same sequence; the c. name uses the placement nearest the transcript's 3' end. VCF-style (leftmost placement, unchanged base first): chr16-2048649-AAGG-A. GRCh37 (hg19) VCF-style: chr16-2098650-AAGG-A.
Other names: c.37_39del, p.Glu13del (NM_001077183.3, NM_001114382.3, NM_001318827.2 and 4 more transcripts); c.-190_-188del (NM_001318831.2); c.70_72del, p.Glu24del (NM_001318832.2); c.-10+587_-10+589del (NM_001318829.2); short protein forms E13del, E24del.
Identifiers: ClinVar variation 639541 (VCV000639541.7), dbSNP rs778509364, ClinGen allele CA047363.

ClinVar aggregate classification (germline): Uncertain significance. Review status: criteria provided, multiple submitters, no conflicts (2 of 4 stars). 2 submissions from 2 submitters: Uncertain significance (2). Last evaluated 2025-12-20.

Conditions:
Tuberous sclerosis 2 (TSC2). Identifiers: Orphanet 805, MedGen C1860707, MONDO:0013199, OMIM 613254.

Submissions (2):

Labcorp Genetics (formerly Invitae), Labcorp
Classification: Uncertain significance for Tuberous sclerosis 2. Last evaluated: 2025-12-20. Review status: criteria provided, single submitter. Criteria: Invitae Variant Classification Sherloc (09022015). Collection method: clinical testing. Allele origin: germline.
Comment: This variant, c.37_39del, results in the deletion of 1 amino acid(s) of the TSC2 protein (p.Glu13del), but otherwise preserves the integrity of the reading frame. This variant is present in population databases (rs778509364, gnomAD 0.003%). This variant has not been reported in the literature in individuals affected with TSC2-related conditions. ClinVar contains an entry for this variant (Variation ID: 639541). Experimental studies and prediction algorithms are not available or were not evaluated, and the functional significance of this variant is currently unknown. In summary, the available evidence is currently insufficient to determine the role of this variant in disease. Therefore, it has been classified as a Variant of Uncertain Significance.

Blueprint Genetics
Classification: Uncertain significance. Last evaluated: 2024-04-04. Review status: criteria provided, single submitter. Criteria: ACMG Guidelines, 2015. Collection method: clinical testing. Allele origin: germline.